The following is an entry in ClinVar:

NC_000012.11:g.(?_2224380)_(2800375_?)dup

Gene: CACNA1C (calcium voltage-gated channel subunit alpha1 C; plus strand). Cytogenetic location: 12p13.33.
Variant type: Duplication.
Identifiers: ClinVar variation 1064032 (VCV001064032.6).

ClinVar aggregate classification (germline): Uncertain significance (1 of 4 stars; one submission).

Conditions:
Long QT syndrome (LQTS). Identifiers: MedGen C0023976, MeSH D008133, MONDO:0002442. Disease mechanism: loss of function. Inheritance: Various modes of inheritance.

Submission:

Labcorp Genetics (formerly Invitae), Labcorp
Classification: Uncertain significance for Long QT syndrome. Last evaluated: 2020-01-13. Review status: criteria provided, single submitter. Criteria: Invitae Variant Classification Sherloc (09022015). Collection method: clinical testing. Allele origin: germline.
Comment: In summary, the available evidence is currently insufficient to determine the role of this variant in disease. Therefore, it has been classified as a Variant of Uncertain Significance. Experimental studies and prediction algorithms are not available or were not evaluated, and the functional significance of this variant is currently unknown. This variant has not been reported in the literature in individuals with CACNA1C-related conditions. This variant results in a copy number gain of the genomic region encompassing exons 2-47 of the CACNA1C gene. The 5' boundary is likely confined to intron 1. The 3' end of this event is unknown as it extends beyond the assayed region for this gene and therefore may encompass additional genes. As the precise location of this event is unknown, it may be in tandem or it may be located elsewhere in the genome.